The following is an entry in ClinVar:

ClinVar aggregate classification (germline): Uncertain significance. Review status: criteria provided, multiple submitters, no conflicts (2 of 4 stars). 3 submissions from 3 submitters: Uncertain significance (3). Last evaluated 2023-06-12.

Conditions:
Charcot-Marie-Tooth disease recessive intermediate C. Also called: CHARCOT-MARIE-TOOTH NEUROPATHY, RECESSIVE INTERMEDIATE C. Identifiers: Orphanet 369867, MedGen C3809309, MONDO:0014154, OMIM 615376.
Neuronopathy, distal hereditary motor, autosomal recessive 4. Also called: Autosomal recessive lower motor neuron disease with childhood onset; NEUROPATHY, DISTAL HEREDITARY MOTOR, AUTOSOMAL RECESSIVE 4. Identifiers: Orphanet 206580, MedGen C1970211, MONDO:0012608, OMIM 611067.
Inborn genetic diseases. Identifiers: MedGen C0950123, MeSH D030342.

Allele frequency attached by ClinVar (database versions not stated): ExAC 0.00001; TOPMed 0.00004; ESP Exome Variant Server 0.00008.
gnomAD v4.1: 27 of 1,612,410 alleles (0.0017%); highest among the groups gnomAD compares: African/African-American, 0.0027%; no homozygotes.

Submissions (3):

Mayo Clinic Laboratories, Mayo Clinic
Classification: Uncertain significance. Last evaluated: 2023-06-12. Review status: criteria provided, single submitter. Criteria: ACMG Guidelines, 2015. Collection method: clinical testing. Allele origin: germline. Observed: 1 variant allele.
Comment: PM2

Labcorp Genetics (formerly Invitae), Labcorp
Classification: Uncertain significance for Neuronopathy, distal hereditary motor, autosomal recessive 4; Charcot-Marie-Tooth disease recessive intermediate C. Last evaluated: 2022-01-28. Review status: criteria provided, single submitter. Criteria: Invitae Variant Classification Sherloc (09022015). Collection method: clinical testing. Allele origin: germline.
Comment: This sequence change replaces arginine, which is basic and polar, with tryptophan, which is neutral and slightly polar, at codon 173 of the PLEKHG5 protein (p.Arg173Trp). This variant is present in population databases (rs372602993, gnomAD 0.004%). This variant has not been reported in the literature in individuals affected with PLEKHG5-related conditions. ClinVar contains an entry for this variant (Variation ID: 841491). Algorithms developed to predict the effect of missense changes on protein structure and function are either unavailable or do not agree on the potential impact of this missense change (SIFT: "Deleterious"; PolyPhen-2: "Benign"; Align-GVGD: "Class C0"). In summary, the available evidence is currently insufficient to determine the role of this variant in disease. Therefore, it has been classified as a Variant of Uncertain Significance.

Ambry Genetics
Classification: Uncertain significance for Inborn genetic diseases. Last evaluated: 2019-08-30. Review status: criteria provided, single submitter. Criteria: Ambry Variant Classification Scheme 2023. Collection method: clinical testing. Allele origin: germline.
Comment: The p.R173W variant (also known as c.517C>T), located in coding exon 6 of the PLEKHG5 gene, results from a C to T substitution at nucleotide position 517. The arginine at codon 173 is replaced by tryptophan, an amino acid with dissimilar properties. This amino acid position is well conserved in available vertebrate species. In addition, the in silico prediction for this alteration is inconclusive. Since supporting evidence is limited at this time, the clinical significance of this alteration remains unclear.

NM_020631.6(PLEKHG5):c.517C>T (p.Arg173Trp)

Gene: PLEKHG5 (pleckstrin homology and RhoGEF domain containing G5; minus strand). Cytogenetic location: 1p36.31.
Variant type: single nucleotide variant.
Coding change: c.517C>T on transcript NM_020631.6 (MANE Select); coding-DNA position 517, C replaced by T.
Protein change: p.Arg173Trp; replaces arginine 173 with tryptophan.
Molecular consequence: missense variant.
Genome position (GRCh38, 1-based): chr1:6,474,087, G>A on the plus strand (C>T on the coding strand, the complement: PLEKHG5 is on the minus strand). VCF-style: chr1-6474087-G-A. GRCh37 (hg19) VCF-style: chr1-6534147-G-A.
Other names: p.Arg173Trp; c.517C>T (NM_020631.5); c.628C>T, p.Arg210Trp (NM_001042663.3, NM_001265592.2); c.517C>T, p.Arg173Trp (NM_001042664.2, NM_001042665.2, NM_001265594.3 and 1 more transcripts); c.724C>T, p.Arg242Trp (NM_001265593.2); short protein forms R242W, R173W, R210W.
Identifiers: ClinVar variation 841491 (VCV000841491.8), dbSNP rs372602993, ClinGen allele CA561825.
Genomic context (GRCh38, chr1:6,474,087, plus strand): 5'-TCTCCCGGCGGCTCTGGGCGTCCACACGCTCCAGGGCGGGGGGCCCGGTCCCAGCTGGCC[G>A]CAGAATCGGCAAACTCAGGGACTTGGAGTCCTTCATGCCCTGCTCCACCTTGCCCTCATC-3'
Protein context (NP_065682.2, residues 163-183): DSKSLSLPIL[Arg173Trp]PAGTGPPALE